The following is an entry in ClinVar:

NM_001430.5(EPAS1):c.861G>T (p.Glu287Asp)

Gene: EPAS1 (endothelial PAS domain protein 1; plus strand). Cytogenetic location: 2p21.
Variant type: single nucleotide variant.
Coding change: c.861G>T on transcript NM_001430.5 (MANE Select); coding-DNA position 861, G replaced by T.
Protein change: p.Glu287Asp; replaces glutamic acid 287 with aspartic acid.
Molecular consequence: missense variant.
Genome position (GRCh38, 1-based): chr2:46,369,908, G>T. VCF-style: chr2-46369908-G-T. GRCh37 (hg19) VCF-style: chr2-46597047-G-T.
Other names: short protein forms E287D.
Identifiers: ClinVar variation 3275706 (VCV003275706.1).

ClinVar aggregate classification (germline): Uncertain significance (1 of 4 stars; one submission).

Conditions:
Inborn genetic diseases. Identifiers: MedGen C0950123, MeSH D030342.

Submission:

Ambry Genetics
Classification: Uncertain significance for Inborn genetic diseases. Last evaluated: 2024-04-23. Review status: criteria provided, single submitter. Criteria: Ambry Variant Classification Scheme 2023. Collection method: clinical testing. Allele origin: germline.
Comment: The p.E287D variant (also known as c.861G>T), located in coding exon 7 of the EPAS1 gene, results from a G to T substitution at nucleotide position 861. The glutamic acid at codon 287 is replaced by aspartic acid, an amino acid with highly similar properties. This amino acid position is conserved. In addition, this alteration is predicted to be tolerated by in silico analysis. Based on the available evidence, the clinical significance of this variant remains unclear.